The following is an entry in ClinVar:

NM_006757.4(TNNT3):c.418G>A (p.Asp140Asn)

Gene: TNNT3 (troponin T3, fast skeletal type; plus strand). Cytogenetic location: 11p15.5.
Variant type: single nucleotide variant.
Coding change: c.418G>A on transcript NM_006757.4 (MANE Select); coding-DNA position 418, G replaced by A.
Protein change: p.Asp140Asn; replaces aspartic acid 140 with asparagine.
Molecular consequence: missense variant.
Genome position (GRCh38, 1-based): chr11:1,934,383, G>A. VCF-style: chr11-1934383-G-A. GRCh37 (hg19) VCF-style: chr11-1955613-G-A.
Other names: c.418G>A (NM_006757.3); c.394G>A, p.Asp132Asn (NM_001042780.3, NM_001042782.3, NM_001297646.2 and 2 more transcripts); c.412G>A, p.Asp138Asn (NM_001042781.3, NM_001367842.1, NM_001367843.1); c.427G>A, p.Asp143Asn (NM_001363561.2, NM_001367847.1); c.451G>A, p.Asp151Asn (NM_001367846.1); c.415G>A, p.Asp139Asn (NM_001367848.1); c.406G>A, p.Asp136Asn (NM_001367849.1); c.361G>A, p.Asp121Asn (NM_001367850.1); and 1 more; short protein forms D121N, D143N, D136N, D139N, D151N, D132N, D138N, D72N.
Identifiers: ClinVar variation 1501384 (VCV001501384.7), dbSNP rs758352644, ClinGen allele CA5816476.
Genomic context (GRCh38, chr11:1,934,383, plus strand): 5'-TCTCCACAGGAGGAAAAGGCCAGAAGGGAGGAGGAGGATGCCAAGAGGAGGGCAGAGGAC[G>A]ACCTGAAGAAGAAGAAAGCTCTGTCTTCCATGGGAGCCAACTACAGCAGCTACCTGGCCA-3'
Protein context (NP_006748.1, residues 130-150): EEDAKRRAED[Asp140Asn]LKKKKALSSM

ClinVar aggregate classification (germline): Uncertain significance. Review status: criteria provided, multiple submitters, no conflicts (2 of 4 stars). 2 submissions from 2 submitters: Uncertain significance (2). Last evaluated 2024-04-03.

Conditions:
Inborn genetic diseases. Identifiers: MedGen C0950123, MeSH D030342.

Allele frequency attached by ClinVar (database versions not stated): gnomAD exomes 0.00001 and 0.00002; ExAC 0.00003; gnomAD 0.00003; TOPMed 0.00003.

Submissions (2):

Labcorp Genetics (formerly Invitae), Labcorp
Classification: Uncertain significance. Last evaluated: 2024-04-03. Review status: criteria provided, single submitter. Criteria: Invitae Variant Classification Sherloc (09022015). Collection method: clinical testing. Allele origin: germline.
Comment: This sequence change replaces aspartic acid, which is acidic and polar, with asparagine, which is neutral and polar, at codon 140 of the TNNT3 protein (p.Asp140Asn). This variant is present in population databases (rs758352644, gnomAD 0.03%). This variant has not been reported in the literature in individuals affected with TNNT3-related conditions. ClinVar contains an entry for this variant (Variation ID: 1501384). An algorithm developed to predict the effect of missense changes on protein structure and function (PolyPhen-2) suggests that this variant is likely to be disruptive. In summary, the available evidence is currently insufficient to determine the role of this variant in disease. Therefore, it has been classified as a Variant of Uncertain Significance.

Ambry Genetics
Classification: Uncertain significance for Inborn genetic diseases. Last evaluated: 2021-09-27. Review status: criteria provided, single submitter. Criteria: Ambry Variant Classification Scheme 2023. Collection method: clinical testing. Allele origin: germline.